The following is an entry in ClinVar:

NM_025132.4(WDR19):c.3247G>A (p.Asp1083Asn)

Gene: WDR19 (WD repeat domain 19; plus strand). Cytogenetic location: 4p14.
Variant type: single nucleotide variant.
Coding change: c.3247G>A on transcript NM_025132.4 (MANE Select); coding-DNA position 3247, G replaced by A.
Protein change: p.Asp1083Asn; replaces aspartic acid 1083 with asparagine.
Molecular consequence: missense variant.
Genome position (GRCh38, 1-based): chr4:39,266,126, G>A. VCF-style: chr4-39266126-G-A. GRCh37 (hg19) VCF-style: chr4-39267746-G-A.
Other names: c.3247G>A (NM_025132.3); c.2767G>A, p.Asp923Asn (NM_001317924.2); short protein forms D1083N, D923N.
Identifiers: ClinVar variation 1053298 (VCV001053298.7), dbSNP rs376167184, ClinGen allele CA2892302.

ClinVar aggregate classification (germline): Uncertain significance. Review status: criteria provided, multiple submitters, no conflicts (2 of 4 stars). 4 submissions from 4 submitters: Uncertain significance (4). Last evaluated 2023-05-25.

Conditions:
Asphyxiating thoracic dystrophy 5 (SRTD5). Also called: SHORT-RIB THORACIC DYSPLASIA 5 WITH OR WITHOUT POLYDACTYLY; SHORT-RIB THORACIC DYSPLASIA 5 WITHOUT POLYDACTYLY. Identifiers: Orphanet 474, MedGen C3280598, MONDO:0013717, OMIM 614376.
Senior-Loken syndrome 8 (SLSN8). Identifiers: Orphanet 3156, MedGen C4225376, MONDO:0014579, OMIM 616307.
Inborn genetic diseases. Identifiers: MedGen C0950123, MeSH D030342.

Allele frequency attached by ClinVar (database versions not stated): gnomAD exomes 0.00002 and 0.00009; gnomAD 0.00003 and 0.00004; ExAC 0.00004; TOPMed 0.00006; ESP Exome Variant Server 0.00008.
gnomAD v4.1: 36 of 1,563,070 alleles (0.0023%); highest among the groups gnomAD compares: Admixed American, 0.036%; no homozygotes.

Submissions (4):

Ambry Genetics
Classification: Uncertain significance for Inborn genetic diseases. Last evaluated: 2023-05-25. Review status: criteria provided, single submitter. Criteria: Ambry Variant Classification Scheme 2023. Collection method: clinical testing. Allele origin: germline.

GeneDx
Classification: Uncertain significance. Last evaluated: 2023-01-31. Review status: criteria provided, single submitter. Criteria: GeneDx Variant Classification Process June 2021. Collection method: clinical testing. Allele origin: germline. Affected: yes.
Comment: In silico analysis supports that this missense variant has a deleterious effect on protein structure/function; Has not been previously published as pathogenic or benign to our knowledge

Labcorp Genetics (formerly Invitae), Labcorp
Classification: Uncertain significance for Senior-Loken syndrome 8; Asphyxiating thoracic dystrophy 5. Last evaluated: 2022-10-24. Review status: criteria provided, single submitter. Criteria: Invitae Variant Classification Sherloc (09022015). Collection method: clinical testing. Allele origin: germline.
Comment: This sequence change replaces aspartic acid, which is acidic and polar, with asparagine, which is neutral and polar, at codon 1083 of the WDR19 protein (p.Asp1083Asn). This variant is present in population databases (rs376167184, gnomAD 0.05%). This variant has not been reported in the literature in individuals affected with WDR19-related conditions. ClinVar contains an entry for this variant (Variation ID: 1053298). Advanced modeling of protein sequence and biophysical properties (such as structural, functional, and spatial information, amino acid conservation, physicochemical variation, residue mobility, and thermodynamic stability) performed at Invitae indicates that this missense variant is not expected to disrupt WDR19 protein function. In summary, the available evidence is currently insufficient to determine the role of this variant in disease. Therefore, it has been classified as a Variant of Uncertain Significance.

Blueprint Genetics
Classification: Uncertain significance. Last evaluated: 2021-10-12. Review status: criteria provided, single submitter. Criteria: ACMG Guidelines, 2015. Collection method: clinical testing. Allele origin: germline.